The following is an entry in ClinVar:

NM_000038.6(APC):c.3454C>A (p.Gln1152Lys)

Gene: APC (APC regulator of Wnt signaling pathway; plus strand). Cytogenetic location: 5q22.2.
Variant type: single nucleotide variant.
Coding change: c.3454C>A on transcript NM_000038.6 (MANE Select); coding-DNA position 3454, C replaced by A.
Protein change: p.Gln1152Lys; replaces glutamine 1152 with lysine.
Molecular consequence: missense variant. On other transcripts: non-coding transcript variant (2).
Genome position (GRCh38, 1-based): chr5:112,839,048, C>A. VCF-style: chr5-112839048-C-A. GRCh37 (hg19) VCF-style: chr5-112174745-C-A.
Other names: c.3454C>A, p.Gln1152Lys (NM_001127510.3, NM_001354895.2, NM_001407450.1); c.3400C>A, p.Gln1134Lys (NM_001127511.3); c.3508C>A, p.Gln1170Lys (NM_001354896.2, NM_001407447.1, NM_001407448.1 and 1 more transcripts); c.3484C>A, p.Gln1162Lys (NM_001354897.2); c.3379C>A, p.Gln1127Lys (NM_001354898.2); c.3370C>A, p.Gln1124Lys (NM_001354899.2); c.3331C>A, p.Gln1111Lys (NM_001354900.2); c.3277C>A, p.Gln1093Lys (NM_001354901.2, NM_001407453.1); and 11 more; short protein forms Q1023K, Q1026K, Q1051K, Q1061K, Q1069K, Q1093K, Q1111K, Q1124K.
Identifiers: ClinVar variation 4801469 (VCV004801469.1).
Genomic context (GRCh38, chr5:112,839,048, plus strand): 5'-GAAGATGACTATGAAGATGATAAGCCTACCAATTATAGTGAACGTTACTCTGAAGAAGAA[C>A]AGCATGAAGAAGAAGAGAGACCAACAAATTATAGCATAAAATATAATGAAGAGAAACGTC-3'
Protein context (NP_000029.2, residues 1142-1162): NYSERYSEEE[Gln1152Lys]HEEEERPTNY

ClinVar aggregate classification (germline): Uncertain significance (1 of 4 stars; one submission).

Conditions:
Familial adenomatous polyposis 1 (FAP1). Also called: FAMILIAL ADENOMATOUS POLYPOSIS 1, ATTENUATED; POLYPOSIS, ADENOMATOUS INTESTINAL. Identifiers: MedGen C2713442, MONDO:0021056, OMIM 175100. Disease mechanism: loss of function.

Submission:

Labcorp Genetics (formerly Invitae), Labcorp
Classification: Uncertain significance for Familial adenomatous polyposis 1. Last evaluated: 2026-01-07. Review status: criteria provided, single submitter. Criteria: Invitae Variant Classification Sherloc (09022015). Collection method: clinical testing. Allele origin: germline.
Comment: This sequence change replaces glutamine, which is neutral and polar, with lysine, which is basic and polar, at codon 1152 of the APC protein (p.Gln1152Lys). This variant is not present in population databases (gnomAD no frequency). This variant has not been reported in the literature in individuals affected with APC-related conditions. Invitae Evidence Modeling of protein sequence and biophysical properties (such as structural, functional, and spatial information, amino acid conservation, physicochemical variation, residue mobility, and thermodynamic stability) indicates that this missense variant is not expected to disrupt APC protein function with a negative predictive value of 95%. In summary, the available evidence is currently insufficient to determine the role of this variant in disease. Therefore, it has been classified as a Variant of Uncertain Significance.